The following is an entry in ClinVar:

ClinVar aggregate classification (germline): Uncertain significance (1 of 4 stars; one submission).

Conditions:
Charcot-Marie-Tooth disease type 2. Also called: Charcot-Marie-Tooth type 2. Identifiers: Orphanet 64746, MedGen C0270914, MONDO:0018993.

gnomAD v4.1: 2 of 1,614,088 alleles (0.00012%); highest among the groups gnomAD compares: African/African-American, 0.0013%; no homozygotes.

Submission:

Labcorp Genetics (formerly Invitae), Labcorp
Classification: Uncertain significance for Charcot-Marie-Tooth disease type 2. Last evaluated: 2024-03-28. Review status: criteria provided, single submitter. Criteria: Invitae Variant Classification Sherloc (09022015). Collection method: clinical testing. Allele origin: germline.
Comment: This sequence change replaces threonine, which is neutral and polar, with serine, which is neutral and polar, at codon 956 of the AARS protein (p.Thr956Ser). This variant is present in population databases (rs747833388, gnomAD 0.007%). This variant has not been reported in the literature in individuals affected with AARS-related conditions. Advanced modeling of protein sequence and biophysical properties (such as structural, functional, and spatial information, amino acid conservation, physicochemical variation, residue mobility, and thermodynamic stability) performed at Invitae indicates that this missense variant is not expected to disrupt AARS protein function with a negative predictive value of 95%. In summary, the available evidence is currently insufficient to determine the role of this variant in disease. Therefore, it has been classified as a Variant of Uncertain Significance.

NM_001605.3(AARS1):c.2867C>G (p.Thr956Ser)

Gene: AARS1 (alanyl-tRNA synthetase 1; minus strand). Cytogenetic location: 16q22.1.
Variant type: single nucleotide variant.
Coding change: c.2867C>G on transcript NM_001605.3 (MANE Select); coding-DNA position 2867, C replaced by G.
Protein change: p.Thr956Ser; replaces threonine 956 with serine.
Molecular consequence: missense variant.
Genome position (GRCh38, 1-based): chr16:70,252,761, G>C on the plus strand (C>G on the coding strand, the complement: AARS1 is on the minus strand). VCF-style: chr16-70252761-G-C. GRCh37 (hg19) VCF-style: chr16-70286664-G-C.
Other names: short protein forms T956S.
Identifiers: ClinVar variation 2902260 (VCV002902260.3), dbSNP rs747833388, ClinGen allele CA8140257.